The following is an entry in ClinVar:

NM_006118.4(HAX1):c.314C>G (p.Pro105Arg)

Gene: HAX1 (HCLS1 associated protein X-1; plus strand). Cytogenetic location: 1q21.3.
Variant type: single nucleotide variant.
Coding change: c.314C>G on transcript NM_006118.4 (MANE Select); coding-DNA position 314, C replaced by G.
Protein change: p.Pro105Arg; replaces proline 105 with arginine.
Molecular consequence: missense variant.
Genome position (GRCh38, 1-based): chr1:154,273,596, C>G. VCF-style: chr1-154273596-C-G. GRCh37 (hg19) VCF-style: chr1-154246072-C-G.
Other names: c.170C>G, p.Pro57Arg (NM_001018837.2); short protein forms P105R, P57R.
Identifiers: ClinVar variation 4858287 (VCV004858287.1).

ClinVar aggregate classification (germline): Uncertain significance (1 of 4 stars; one submission).

Conditions:
Inborn genetic diseases. Identifiers: MedGen C0950123, MeSH D030342.

Submission:

Ambry Genetics
Classification: Uncertain significance for Inborn genetic diseases. Last evaluated: 2026-05-28. Review status: criteria provided, single submitter. Criteria: Ambry Variant Classification Scheme 2023. Collection method: clinical testing. Allele origin: germline.
Comment: The p.P105R variant (also known as c.314C>G), located in coding exon 2 of the HAX1 gene, results from a C to G substitution at nucleotide position 314. The proline at codon 105 is replaced by arginine, an amino acid with dissimilar properties. This amino acid position is conserved. In addition, this alteration is predicted to be tolerated by in silico analysis. Based on the available evidence, the clinical significance of this variant remains unclear.